The following is an entry in ClinVar:

NM_005045.4(RELN):c.2465+2T>G

Gene: RELN (reelin; minus strand). Cytogenetic location: 7q22.1.
Variant type: single nucleotide variant.
Coding change: c.2465+2T>G on transcript NM_005045.4 (MANE Select); the canonical splice donor site of the intron after coding-DNA position 2465, T replaced by G.
Molecular consequence: splice donor variant.
Genome position (GRCh38, 1-based): chr7:103,635,423, A>C on the plus strand (T>G on the coding strand, the complement: RELN is on the minus strand). VCF-style: chr7-103635423-A-C. GRCh37 (hg19) VCF-style: chr7-103275870-A-C.
Other names: c.2465+2T>G (NM_173054.3).
Identifiers: ClinVar variation 2933656 (VCV002933656.3), dbSNP rs2484800309, ClinGen allele CA368759924.
Genomic context (GRCh38, chr7:103,635,423, plus strand): 5'-TATGATTTCCCCAGGAGAAGATTTCACTCTACAACCATTTTTCCAAATGCTTTCCAACAT[A>C]CCTGGGCTCATGATAGCTGAGATATGAATAATGCTCCAGGAGTTTCCAAGTTATCCCATT-3'

ClinVar aggregate classification (germline): Likely pathogenic (1 of 4 stars; one submission).

Conditions:
Norman-Roberts syndrome (LIS2). Also called: Lissencephaly 2 (Norman-Roberts type). Identifiers: Orphanet 89844, MedGen C0796089, MONDO:0009760, OMIM 257320.
Familial temporal lobe epilepsy 7. Identifiers: Orphanet 101046, MedGen C4225327, MONDO:0014639, OMIM 616436.

Submission:

Labcorp Genetics (formerly Invitae), Labcorp
Classification: Likely pathogenic for Familial temporal lobe epilepsy 7; Norman-Roberts syndrome. Last evaluated: 2025-08-31. Review status: criteria provided, single submitter. Criteria: Invitae Variant Classification Sherloc (09022015). Collection method: clinical testing. Allele origin: germline.
Comment: This sequence change affects a donor splice site in intron 19 of the RELN gene. It is expected to disrupt RNA splicing. Variants that disrupt the donor or acceptor splice site typically lead to a loss of protein function (PMID: 16199547), and loss-of-function variants in RELN are known to be pathogenic (PMID: 10973257, 26046367, 28454995). This variant is not present in population databases (gnomAD no frequency). This variant has not been reported in the literature in individuals affected with RELN-related conditions. ClinVar contains an entry for this variant (Variation ID: 2933656). Algorithms developed to predict the effect of sequence changes on RNA splicing suggest that this variant may disrupt the consensus splice site. In summary, the currently available evidence indicates that the variant is pathogenic, but additional data are needed to prove that conclusively. Therefore, this variant has been classified as Likely Pathogenic.

Literature cited by the submitters: PubMed 16199547; PubMed 10973257; PubMed 26046367; PubMed 28454995.